The following is an entry in ClinVar:

ClinVar aggregate classification (germline): Uncertain significance (1 of 4 stars; one submission).

gnomAD v4.1: 3 of 1,614,138 alleles (0.00019%); highest among the groups gnomAD compares: Non-Finnish European, 0.00017%; no homozygotes.

Submission:

Labcorp Genetics (formerly Invitae), Labcorp
Classification: Uncertain significance. Last evaluated: 2023-07-12. Review status: criteria provided, single submitter. Criteria: Invitae Variant Classification Sherloc (09022015). Collection method: clinical testing. Allele origin: germline.
Comment: This sequence change replaces arginine, which is basic and polar, with leucine, which is neutral and non-polar, at codon 215 of the CSF2RB protein (p.Arg215Leu). In summary, the available evidence is currently insufficient to determine the role of this variant in disease. Therefore, it has been classified as a Variant of Uncertain Significance. Advanced modeling of protein sequence and biophysical properties (such as structural, functional, and spatial information, amino acid conservation, physicochemical variation, residue mobility, and thermodynamic stability) performed at Invitae indicates that this missense variant is not expected to disrupt CSF2RB protein function. This variant has not been reported in the literature in individuals affected with CSF2RB-related conditions. This variant is not present in population databases (gnomAD no frequency).

NM_000395.3(CSF2RB):c.644G>T (p.Arg215Leu)

Gene: CSF2RB (colony stimulating factor 2 receptor subunit beta; plus strand). Cytogenetic location: 22q12.3.
Variant type: single nucleotide variant.
Coding change: c.644G>T on transcript NM_000395.3 (MANE Select); coding-DNA position 644, G replaced by T.
Protein change: p.Arg215Leu; replaces arginine 215 with leucine.
Molecular consequence: missense variant.
Genome position (GRCh38, 1-based): chr22:36,929,733, G>T. VCF-style: chr22-36929733-G-T. GRCh37 (hg19) VCF-style: chr22-37325775-G-T.
Other names: c.644G>T, p.Arg215Leu (NM_001410827.1); short protein forms R215L.
Identifiers: ClinVar variation 2974007 (VCV002974007.3), dbSNP rs149714683, ClinGen allele CA323993118.
Genomic context (GRCh38, chr22:36,929,733, plus strand): 5'-CCACCCTGGGGCCAGAGCACCTCATGCCCAGCAGCACCTACGTGGCCCGAGTACGGACCC[G>T]CCTGGCCCCAGGTTCTCGGCTCTCAGGACGTCCCAGCAAGTGGAGCCCAGAGGTTTGCTG-3'
Protein context (NP_000386.1, residues 205-225): SSTYVARVRT[Arg215Leu]LAPGSRLSGR